The following is an entry in ClinVar:

NM_004082.5(DCTN1):c.280A>G (p.Ile94Val)

Gene: DCTN1 (dynactin subunit 1; minus strand). Cytogenetic location: 2p13.1.
Variant type: single nucleotide variant.
Coding change: c.280A>G on transcript NM_004082.5 (MANE Select); coding-DNA position 280, A replaced by G.
Protein change: p.Ile94Val; replaces isoleucine 94 with valine.
Molecular consequence: missense variant. On other transcripts: non-coding transcript variant (1).
Genome position (GRCh38, 1-based): chr2:74,377,726, T>C on the plus strand (A>G on the coding strand, the complement: DCTN1 is on the minus strand). VCF-style: chr2-74377726-T-C. GRCh37 (hg19) VCF-style: chr2-74604853-T-C.
Other names: c.280A>G, p.Ile94Val (NM_001135040.3, NM_001190837.2); c.229A>G, p.Ile77Val (NM_001190836.2, NM_001378991.1, NM_001378992.1); short protein forms I77V, I94V.
Identifiers: ClinVar variation 2421104 (VCV002421104.6), dbSNP rs1362934545, ClinGen allele CA347321428.

ClinVar aggregate classification (germline): Uncertain significance. Review status: criteria provided, multiple submitters, no conflicts (2 of 4 stars). 2 submissions from 2 submitters: Uncertain significance (2). Last evaluated 2026-06-10.

Conditions:
DCTN1-related disorder. Also called: DCTN1-related condition.
Amyotrophic lateral sclerosis type 1 (ALS1). Also called: AMYOTROPHIC LATERAL SCLEROSIS 1, FAMILIAL. Identifiers: Orphanet 803, MedGen C1862939, MONDO:0007103, OMIM 105400.
Neuronopathy, distal hereditary motor, type 7B. Also called: LOWER MOTOR NEURON DISEASE, DYNACTIN TYPE; Distal Hereditary Motor Neuronopathy Type 7B (dHMN7B); HMN VIIB; NEURONOPATHY, DISTAL HEREDITARY MOTOR, AUTOSOMAL DOMINANT 14; NEURONOPATHY, DISTAL HEREDITARY MOTOR, HARDING TYPE VIIB; NEUROPATHY, DISTAL HEREDITARY MOTOR, HARDING TYPE VIIB. Identifiers: Orphanet 139589, MedGen C1843315, MONDO:0011879, OMIM 607641.
Perry syndrome. Also called: PARKINSONISM WITH ALVEOLAR HYPOVENTILATION AND MENTAL DEPRESSION. Identifiers: Orphanet 178509, MedGen C1868594, MONDO:0008201, OMIM 168605.

Allele frequency attached by ClinVar (database versions not stated): gnomAD exomes below 0.00001.
gnomAD v4.1: 2 of 1,613,052 alleles (0.00012%); highest among the groups gnomAD compares: Non-Finnish European, 0.00017%; no homozygotes.

Submissions (2):

PreventionGenetics, part of Exact Sciences
Classification: Uncertain significance for DCTN1-related condition. Last evaluated: 2026-06-10. Review status: criteria provided, single submitter. Criteria: ACMG Guidelines, 2015. Collection method: clinical testing. Allele origin: germline.
Comment: The DCTN1 c.280A>G variant is predicted to result in the amino acid substitution p.Ile94Val. To our knowledge, this variant has not been reported in the literature. This variant is reported in 0.00088% of alleles in individuals of European (Non-Finnish) descent in gnomAD. At this time, the clinical significance of this variant is uncertain due to the absence of conclusive functional and genetic evidence.

Labcorp Genetics (formerly Invitae), Labcorp
Classification: Uncertain significance for Amyotrophic lateral sclerosis type 1; Neuronopathy, distal hereditary motor, type 7B; Perry syndrome. Last evaluated: 2022-05-20. Review status: criteria provided, single submitter. Criteria: Invitae Variant Classification Sherloc (09022015). Collection method: clinical testing. Allele origin: germline.
Comment: In summary, the available evidence is currently insufficient to determine the role of this variant in disease. Therefore, it has been classified as a Variant of Uncertain Significance. Algorithms developed to predict the effect of missense changes on protein structure and function are either unavailable or do not agree on the potential impact of this missense change (SIFT: "Deleterious"; PolyPhen-2: "Benign"; Align-GVGD: "Class C25"). This variant has not been reported in the literature in individuals affected with DCTN1-related conditions. This variant is present in population databases (no rsID available, gnomAD 0.0009%). This sequence change replaces isoleucine, which is neutral and non-polar, with valine, which is neutral and non-polar, at codon 94 of the DCTN1 protein (p.Ile94Val).